The following is an entry in ClinVar:

NM_000051.4(ATM):c.496+14G>C

Gene: ATM (ATM serine/threonine kinase; plus strand). Cytogenetic location: 11q22.3.
Variant type: single nucleotide variant.
Coding change: c.496+14G>C on transcript NM_000051.4 (MANE Select); 14 bases into the intron after coding-DNA position 496, G replaced by C.
Molecular consequence: intron variant.
Genome position (GRCh38, 1-based): chr11:108,235,848, G>C. VCF-style: chr11-108235848-G-C. GRCh37 (hg19) VCF-style: chr11-108106575-G-C.
Other names: c.496+14G>C (NM_001351834.2).
Identifiers: ClinVar variation 379328 (VCV000379328.8), dbSNP rs776887214, ClinGen allele CA16606144.
Genomic context (GRCh38, chr11:108,235,848, plus strand): 5'-TTCTGTGAGAAAATACTGGTGTGAAATATCTCAGCAACAGTGGTTAGGTATGTTTTGAAG[G>C]TTGTTGTTTGTGAATTTTTCCTCATGAAATGAAACTTCACCAAAGAAAGCACTCTGTCTG-3'

ClinVar aggregate classification (germline): Likely benign. Review status: criteria provided, multiple submitters, no conflicts (2 of 4 stars). 2 submissions from 2 submitters: Likely benign (2). Last evaluated 2025-11-25.

Conditions:
Ataxia-telangiectasia syndrome (AT). Also called: LOUIS-BAR SYNDROME; ATAXIA-TELANGIECTASIA, COMPLEMENTATION GROUP A; ATAXIA-TELANGIECTASIA, FRESNO VARIANT; Ataxia-telangiectasia; Ataxia telangiectasia (A-T); Cerebello-oculocutaneous telangiectasia. Identifiers: Orphanet 100, MedGen C0004135, MONDO:0008840, OMIM 208900.

Allele frequency attached by ClinVar (database versions not stated): gnomAD exomes 0.00001.
gnomAD v4.1: 8 of 1,613,570 alleles (0.0005%); highest among the groups gnomAD compares: Non-Finnish European, 0.00068%; no homozygotes.

Submissions (2):

Labcorp Genetics (formerly Invitae), Labcorp
Classification: Likely benign for Ataxia-telangiectasia syndrome. Last evaluated: 2025-11-25. Review status: criteria provided, single submitter. Criteria: Invitae Variant Classification Sherloc (09022015). Collection method: clinical testing. Allele origin: germline.

GeneDx
Classification: Likely benign. Last evaluated: 2016-03-31. Review status: criteria provided, single submitter. Criteria: GeneDx Variant Classification (06012015). Collection method: clinical testing. Allele origin: germline. Affected: yes.
Comment: This variant is considered likely benign or benign based on one or more of the following criteria: it is a conservative change, it occurs at a poorly conserved position in the protein, it is predicted to be benign by multiple in silico algorithms, and/or has population frequency not consistent with disease.